The following is an entry in ClinVar:

NM_004519.4(KCNQ3):c.293A>G (p.Lys98Arg)

Gene: KCNQ3 (potassium voltage-gated channel subfamily Q member 3; minus strand). Cytogenetic location: 8q24.22.
Variant type: single nucleotide variant.
Coding change: c.293A>G on transcript NM_004519.4 (MANE Select); coding-DNA position 293, A replaced by G.
Protein change: p.Lys98Arg; replaces lysine 98 with arginine.
Molecular consequence: missense variant.
Genome position (GRCh38, 1-based): chr8:132,480,240, T>C on the plus strand (A>G on the coding strand, the complement: KCNQ3 is on the minus strand). VCF-style: chr8-132480240-T-C. GRCh37 (hg19) VCF-style: chr8-133492487-T-C.
Other names: short protein forms K98R.
Identifiers: ClinVar variation 431878 (VCV000431878.11), dbSNP rs143194379, ClinGen allele CA4880981.
Genomic context (GRCh38, chr8:132,480,240, plus strand): 5'-GGTCTCTCCAGGGCGTCGTAGATCAAAGTTTGGATGCGCCGGTACTTGGCGTTGTTTCTC[T>C]TGACTGGGCGGCTCAGCGGGGTCTTGGCCAGGAGCCCGATGCCCTGCGGGGTCCTCCGCT-3'
Protein context (NP_004510.1, residues 88-108): LAKTPLSRPV[Lys98Arg]RNNAKYRRIQ

ClinVar aggregate classification (germline): Uncertain significance. Review status: criteria provided, multiple submitters, no conflicts (2 of 4 stars). 3 submissions from 3 submitters: Uncertain significance (3). Last evaluated 2025-05-14.

Conditions:
Benign neonatal seizures. Also called: Benign familial neonatal seizures; Convulsions benign familial neonatal dominant form; Autosomal dominant form of benign neonatal seizures; Benign familial neonatal epilepsy; Benign neonatal familial convulsions. Identifiers: Orphanet 1949, MedGen C0220669, MONDO:0016027.
Seizures, benign familial neonatal, 2. Also called: KCNQ3-Related Benign Familial Neonatal Epilepsy; Benign Neonatal Epilepsy 2; Seizures, benign neonatal, 2; CONVULSIONS, BENIGN FAMILIAL NEONATAL, 2; KCNQ3-Related Self-Limited Familial Neonatal Epilepsy (SLFNE). Identifiers: Orphanet 1949, MedGen C1852581, MONDO:0007366, OMIM 121201.

Allele frequency attached by ClinVar (database versions not stated): gnomAD exomes 0.00001 and 0.00002; TOPMed 0.00001; ExAC 0.00003; ESP Exome Variant Server 0.00015.
gnomAD v4.1: 32 of 1,613,276 alleles (0.002%); highest among the groups gnomAD compares: Non-Finnish European, 0.0027%; no homozygotes.

Submissions (3):

Labcorp Genetics (formerly Invitae), Labcorp
Classification: Uncertain significance for Benign neonatal seizures. Last evaluated: 2025-05-14. Review status: criteria provided, single submitter. Criteria: Invitae Variant Classification Sherloc (09022015). Collection method: clinical testing. Allele origin: germline.
Comment: This sequence change replaces lysine, which is basic and polar, with arginine, which is basic and polar, at codon 98 of the KCNQ3 protein (p.Lys98Arg). This variant is present in population databases (rs143194379, gnomAD 0.002%). This variant has not been reported in the literature in individuals affected with KCNQ3-related conditions. ClinVar contains an entry for this variant (Variation ID: 431878). Invitae Evidence Modeling of protein sequence and biophysical properties (such as structural, functional, and spatial information, amino acid conservation, physicochemical variation, residue mobility, and thermodynamic stability) indicates that this missense variant is not expected to disrupt KCNQ3 protein function with a negative predictive value of 80%. In summary, the available evidence is currently insufficient to determine the role of this variant in disease. Therefore, it has been classified as a Variant of Uncertain Significance.

GeneDx
Classification: Uncertain significance. Last evaluated: 2020-03-24. Review status: criteria provided, single submitter. Criteria: GeneDx Variant Classification Process June 2021. Collection method: clinical testing. Allele origin: germline. Affected: yes.
Comment: Not observed at a significant frequency in large population cohorts (Lek et al., 2016); In silico analysis supports that this missense variant does not alter protein structure/function; Has not been previously published as pathogenic or benign to our knowledge

New York Genome Center
Classification: Uncertain significance for Seizures, benign familial neonatal, 2. Last evaluated: 2020-01-29. Review status: criteria provided, single submitter. Criteria: NYGC Assertion Criteria 2020. Collection method: clinical testing. Allele origin: germline. Observed: 1 heterozygote. Study: CSER-NYCKidSeq.